The following is an entry in ClinVar:

NM_005902.4(SMAD3):c.644C>G (p.Ala215Gly)

Gene: SMAD3 (SMAD family member 3; plus strand). Cytogenetic location: 15q22.33.
Variant type: single nucleotide variant.
Coding change: c.644C>G on transcript NM_005902.4 (MANE Select); coding-DNA position 644, C replaced by G.
Protein change: p.Ala215Gly; replaces alanine 215 with glycine.
Molecular consequence: missense variant.
Genome position (GRCh38, 1-based): chr15:67,170,590, C>G. VCF-style: chr15-67170590-C-G. GRCh37 (hg19) VCF-style: chr15-67462928-C-G.
Other names: c.329C>G, p.Ala110Gly (NM_001145102.2); c.512C>G, p.Ala171Gly (NM_001145103.2); c.59C>G, p.Ala20Gly (NM_001145104.2); short protein forms A215G, A110G, A171G, A20G.
Identifiers: ClinVar variation 643454 (VCV000643454.11), dbSNP rs376353913, ClinGen allele CA272379639.

ClinVar aggregate classification (germline): Uncertain significance. Review status: criteria provided, multiple submitters, no conflicts (2 of 4 stars). 3 submissions from 3 submitters: Uncertain significance (3). Last evaluated 2025-09-04.

Conditions:
Familial thoracic aortic aneurysm and aortic dissection (TAAD). Also called: Thoracic aortic aneurysms and dissections. Identifiers: Orphanet 91387, MedGen C4707243, MONDO:0019625.
Aneurysm-osteoarthritis syndrome. Also called: ANEURYSMS-OSTEOARTHRITIS SYNDROME; LOEYS-DIETZ SYNDROME WITH OSTEOARTHRITIS; SMAD3-Related Loeys-Dietz Syndrome; Loeys-Dietz syndrome, type 1C. Identifiers: Orphanet 284984, MedGen C3151087, MONDO:0013426, OMIM 613795.

Allele frequency attached by ClinVar (database versions not stated): ESP Exome Variant Server 0.00008.

Submissions (3):

Color Diagnostics, LLC DBA Color Health
Classification: Uncertain significance for Familial thoracic aortic aneurysm and aortic dissection. Last evaluated: 2025-09-04. Review status: criteria provided, single submitter. Criteria: ACMG Guidelines, 2015. Collection method: clinical testing. Allele origin: germline.
Comment: This missense variant replaces alanine with glycine at codon 215 of the SMAD3 protein. Computational prediction suggests that this variant may not impact protein structure and function. To our knowledge, functional studies have not been reported for this variant. This variant has not been reported in individuals affected with SMAD3-related disorders in the literature. This variant has not been identified in the general population by the Genome Aggregation Database (gnomAD). The available evidence is insufficient to determine the role of this variant in disease conclusively. Therefore, this variant is classified as a Variant of Uncertain Significance.

All of Us Research Program, National Institutes of Health
Classification: Uncertain significance for Aneurysm-osteoarthritis syndrome. Last evaluated: 2024-08-06. Review status: criteria provided, single submitter. Criteria: ACMG Guidelines, 2015. Collection method: clinical testing. Allele origin: germline. Inheritance: Autosomal dominant inheritance. Observed: 1 variant allele, 1 heterozygote.
Comment: This missense variant replaces alanine with glycine at codon 215 of the SMAD3 protein. Computational prediction suggests that this variant may not impact protein structure and function (internally defined REVEL score threshold <= 0.5, PMID: 27666373). Splice site prediction tools suggest that this variant may not impact RNA splicing. To our knowledge, functional studies have not been reported for this variant. This variant has not been reported in individuals affected with cardiovascular disorders in the literature. This variant has not been identified in the general population by the Genome Aggregation Database (gnomAD). The available evidence is insufficient to determine the role of this variant in disease conclusively. Therefore, this variant is classified as a Variant of Uncertain Significance.

This study involves interpretation of variants in research participants for the purpose of population health screening. Participant phenotype was not available at the time of variant classification. Additional details can be found in publication PMID: 35346344, PMCID: PMC8962531

Labcorp Genetics (formerly Invitae), Labcorp
Classification: Uncertain significance for Familial thoracic aortic aneurysm and aortic dissection. Last evaluated: 2024-01-31. Review status: criteria provided, single submitter. Criteria: Invitae Variant Classification Sherloc (09022015). Collection method: clinical testing. Allele origin: germline.
Comment: This sequence change replaces alanine, which is neutral and non-polar, with glycine, which is neutral and non-polar, at codon 215 of the SMAD3 protein (p.Ala215Gly). This variant is not present in population databases (gnomAD no frequency). This variant has not been reported in the literature in individuals affected with SMAD3-related conditions. ClinVar contains an entry for this variant (Variation ID: 643454). Advanced modeling performed at Invitae incorporating data from internal and/or published experimental studies (Invitae) indicates that this missense variant is not expected to disrupt SMAD3 function with a negative predictive value of 95%. In summary, the available evidence is currently insufficient to determine the role of this variant in disease. Therefore, it has been classified as a Variant of Uncertain Significance.